The following is an entry in ClinVar:

NM_001042492.3(NF1):c.3644T>G (p.Met1215Arg)

Gene: NF1 (neurofibromin 1; plus strand). Cytogenetic location: 17q11.2.
Variant type: single nucleotide variant.
Coding change: c.3644T>G on transcript NM_001042492.3 (MANE Select); coding-DNA position 3644, T replaced by G.
Protein change: p.Met1215Arg; replaces methionine 1215 with arginine.
Molecular consequence: missense variant.
Genome position (GRCh38, 1-based): chr17:31,233,149, T>G. VCF-style: chr17-31233149-T-G. GRCh37 (hg19) VCF-style: chr17-29560167-T-G.
Other names: c.3644T>G, p.Met1215Arg (NM_000267.4); short protein forms M1215R.
Identifiers: ClinVar variation 527596 (VCV000527596.7), dbSNP rs1555615071, ClinGen allele CA398990428.
Genomic context (GRCh38, chr17:31,233,149, plus strand): 5'-CACTTGCAGAAACAGTATTGGCTGATCGGTTTGAGAGATTGGTGGAACTGGTCACAATGA[T>G]GGGTGATCAAGGAGAACTCCCTATAGCGATGGCTCTGGCCAATGTGGTTCCTTGTTCTCA-3'
Protein context (NP_001035957.1, residues 1205-1225): FERLVELVTM[Met1215Arg]GDQGELPIAM

ClinVar aggregate classification (germline): Pathogenic (1 of 4 stars; one submission).

Conditions:
Neurofibromatosis, type 1 (NF1). Also called: VON RECKLINGHAUSEN DISEASE; NEUROFIBROMATOSIS, TYPE I, SOMATIC; Peripheral type neurofibromatosis; Neurofibromatosis, type I. Identifiers: Orphanet 636, MedGen C0027831, MONDO:0018975, OMIM 162200. Disease mechanism: loss of function.

Submission:

Labcorp Genetics (formerly Invitae), Labcorp
Classification: Pathogenic for Neurofibromatosis, type 1. Last evaluated: 2019-01-21. Review status: criteria provided, single submitter. Criteria: Invitae Variant Classification Sherloc (09022015). Collection method: clinical testing. Allele origin: germline.
Comment: Algorithms developed to predict the effect of missense changes on protein structure and function are either unavailable or do not agree on the potential impact of this missense change (SIFT: "Deleterious"; PolyPhen-2: "Possibly Damaging"; Align-GVGD: "Class C0"). For these reasons, this variant has been classified as Pathogenic. This variant disrupts the p.Met1215 amino acid residue in NF1. Other variant(s) that disrupt this residue have been observed in individuals with NF1-related conditions (PMID:10712197, 16835897, 18546366 ), suggesting that it is a clinically significant residue. As a result, variants that disrupt this residue are likely to be causative of disease. This variant has been observed to be de novo in several individuals affected with neurofibromatosis type 1 (PMID: 26740943, 21520333, Invitae). ClinVar contains an entry for this variant (Variation ID: 527596). This variant is not present in population databases (ExAC no frequency). This sequence change replaces methionine with arginine at codon 1215 of the NF1 protein (p.Met1215Arg). The methionine residue is moderately conserved and there is a moderate physicochemical difference between methionine and arginine.

Literature cited by the submitters: PubMed 10712197; PubMed 16835897; PubMed 18546366; PubMed 26740943; PubMed 21520333.